The following is an entry in ClinVar:

ClinVar aggregate classification (germline): Pathogenic (1 of 4 stars; one submission).

Conditions:
Infantile myofibromatosis (IMF). Also called: Congenital generalized fibromatosis. Identifiers: Orphanet 2591, MedGen C0432284, MONDO:0016824.
Skeletal overgrowth-craniofacial dysmorphism-hyperelastic skin-white matter lesions syndrome. Also called: SKELETAL OVERGROWTH WITH FACIAL DYSMORPHISM, HYPERELASTIC SKIN, WHITE MATTER LESIONS, AND NEUROLOGIC DETERIORATION; Kosaki overgrowth syndrome. Identifiers: Orphanet 477831, MedGen C4225270, MONDO:0014704, OMIM 616592.
Basal ganglia calcification, idiopathic, 4 (PFBC4). Also called: Familial Idiopathic Basal Ganglia Calcification 4; PRIMARY FAMILIAL BRAIN CALCIFICATION 4, AUTOSOMAL DOMINANT. Identifiers: Orphanet 1980, MedGen C3554321, MONDO:0014004, OMIM 615007.
Acroosteolysis-keloid-like lesions-premature aging syndrome. Also called: Premature aging syndrome, Penttinen type; Prematurely aged appearance, delayed bone maturation, acro-osteolysis, and brachydactyly; Progeroid syndrome, Penttinen type. Identifiers: Orphanet 363665, MedGen C1866182, MONDO:0011150, OMIM 601812.

Submission:

Labcorp Genetics (formerly Invitae), Labcorp
Classification: Pathogenic for Basal ganglia calcification, idiopathic, 4; Skeletal overgrowth-craniofacial dysmorphism-hyperelastic skin-white matter lesions syndrome; Infantile myofibromatosis; Acroosteolysis-keloid-like lesions-premature aging syndrome. Last evaluated: 2022-02-11. Review status: criteria provided, single submitter. Criteria: Invitae Variant Classification Sherloc (09022015). Collection method: clinical testing. Allele origin: germline.
Comment: This variant is not present in population databases (gnomAD no frequency). For these reasons, this variant has been classified as Pathogenic. Advanced modeling of protein sequence and biophysical properties (such as structural, functional, and spatial information, amino acid conservation, physicochemical variation, residue mobility, and thermodynamic stability) performed at Invitae indicates that this missense variant is expected to disrupt PDGFRB protein function. This missense change has been observed in individual(s) with basal ganglia calcification syndrome (Invitae). In at least one individual the variant was observed to be de novo. This sequence change replaces alanine, which is neutral and non-polar, with glutamic acid, which is acidic and polar, at codon 828 of the PDGFRB protein (p.Ala828Glu).

NM_002609.4(PDGFRB):c.2483C>A (p.Ala828Glu)

Gene: PDGFRB (platelet derived growth factor receptor beta; minus strand). Cytogenetic location: 5q32.
Variant type: single nucleotide variant.
Coding change: c.2483C>A on transcript NM_002609.4 (MANE Select); coding-DNA position 2483, C replaced by A.
Protein change: p.Ala828Glu; replaces alanine 828 with glutamic acid.
Molecular consequence: missense variant.
Genome position (GRCh38, 1-based): chr5:150,120,991, G>T on the plus strand (C>A on the coding strand, the complement: PDGFRB is on the minus strand). VCF-style: chr5-150120991-G-T. GRCh37 (hg19) VCF-style: chr5-149500554-G-T.
Other names: c.2291C>A, p.Ala764Glu (NM_001355016.2); c.2000C>A, p.Ala667Glu (NM_001355017.2); short protein forms A667E, A764E, A828E.
Identifiers: ClinVar variation 2096300 (VCV002096300.4), dbSNP rs2113888986, ClinGen allele CA361760639.